The following is an entry in ClinVar:

NM_001134407.3(GRIN2A):c.347T>G (p.Ile116Ser)

Gene: GRIN2A (glutamate ionotropic receptor NMDA type subunit 2A; minus strand). Cytogenetic location: 16p13.2.
Variant type: single nucleotide variant.
Coding change: c.347T>G on transcript NM_001134407.3 (MANE Select); coding-DNA position 347, T replaced by G.
Protein change: p.Ile116Ser; replaces isoleucine 116 with serine.
Molecular consequence: missense variant.
Genome position (GRCh38, 1-based): chr16:10,180,065, A>C on the plus strand (T>G on the coding strand, the complement: GRIN2A is on the minus strand). VCF-style: chr16-10180065-A-C. GRCh37 (hg19) VCF-style: chr16-10273922-A-C.
Other names: c.347T>G (NM_000833.3); c.347T>G, p.Ile116Ser (NM_000833.5, NM_001134408.2); short protein forms I116S.
Identifiers: ClinVar variation 1376829 (VCV001376829.7), dbSNP rs2142388025, ClinGen allele CA394715209.

ClinVar aggregate classification (germline): Uncertain significance. Review status: criteria provided, multiple submitters, no conflicts (2 of 4 stars). 2 submissions from 2 submitters: Uncertain significance (2). Last evaluated 2023-11-25.

Conditions:
Landau-Kleffner syndrome (FESD). Also called: APHASIA, ACQUIRED, WITH EPILEPSY; EPILEPSY, FOCAL, WITH SPEECH DISORDER AND WITH OR WITHOUT MENTAL RETARDATION. Identifiers: Orphanet 1945, Orphanet 725, Orphanet 98818, MedGen C0282512, MONDO:0009509, OMIM 245570.

Submissions (2):

GeneDx
Classification: Uncertain significance. Last evaluated: 2023-11-25. Review status: criteria provided, single submitter. Criteria: GeneDx Variant Classification Process June 2021. Collection method: clinical testing. Allele origin: germline. Affected: yes.
Comment: Not observed at significant frequency in large population cohorts (gnomAD); In silico analysis supports that this missense variant has a deleterious effect on protein structure/function; Has not been previously published as pathogenic or benign to our knowledge

Labcorp Genetics (formerly Invitae), Labcorp
Classification: Uncertain significance for Landau-Kleffner syndrome. Last evaluated: 2023-01-20. Review status: criteria provided, single submitter. Criteria: Invitae Variant Classification Sherloc (09022015). Collection method: clinical testing. Allele origin: germline.
Comment: This sequence change replaces isoleucine, which is neutral and non-polar, with serine, which is neutral and polar, at codon 116 of the GRIN2A protein (p.Ile116Ser). This variant is not present in population databases (gnomAD no frequency). In summary, the available evidence is currently insufficient to determine the role of this variant in disease. Therefore, it has been classified as a Variant of Uncertain Significance. Advanced modeling of protein sequence and biophysical properties (such as structural, functional, and spatial information, amino acid conservation, physicochemical variation, residue mobility, and thermodynamic stability) performed at Invitae indicates that this missense variant is expected to disrupt GRIN2A protein function. This variant has not been reported in the literature in individuals affected with GRIN2A-related conditions.